The following is an entry in ClinVar:

ClinVar aggregate classification (germline): Likely benign. Review status: criteria provided, multiple submitters, no conflicts (2 of 4 stars). 2 submissions from 2 submitters: Likely benign (2). Last evaluated 2026-08-27.

Conditions:
TRIM32-related disorder. Also called: TRIM32-related condition.
Bardet-Biedl syndrome (BBS). Identifiers: Orphanet 110, MedGen C0752166, MONDO:0015229.

Submissions (2):

PreventionGenetics, part of Exact Sciences
Classification: Likely benign for TRIM32-related condition. Last evaluated: 2026-08-27. Review status: criteria provided, single submitter. Criteria: ACMG Guidelines, 2015. Collection method: clinical testing. Allele origin: germline.
Comment: This variant is classified as likely benign based on ACMG/AMP sequence variant interpretation guidelines (Richards et al. 2015 PMID: 25741868, with internal and published modifications).

Labcorp Genetics (formerly Invitae), Labcorp
Classification: Likely benign for Bardet-Biedl syndrome. Last evaluated: 2025-04-14. Review status: criteria provided, single submitter. Criteria: Invitae Variant Classification Sherloc (09022015). Collection method: clinical testing. Allele origin: germline.

NM_012210.4(TRIM32):c.1074C>T (p.Leu358=)

Genes: ASTN2 (astrotactin 2; minus strand), TRIM32 (tripartite motif containing 32; plus strand). Cytogenetic location: 9q33.1.
Variant type: single nucleotide variant.
Coding change: c.1074C>T on transcript NM_012210.4 (MANE Select); coding-DNA position 1074, C replaced by T.
Protein change: p.Leu358=; no amino-acid change (leucine 358 retained).
Molecular consequence: synonymous variant. On other transcripts: intron variant (3).
Genome position (GRCh38, 1-based): chr9:116,698,816, C>T. VCF-style: chr9-116698816-C-T. GRCh37 (hg19) VCF-style: chr9-119461095-C-T.
Other names: c.1074C>T, p.Leu358= (NM_001099679.2, NM_001379048.1, NM_001379049.1 and 1 more transcripts); c.2653+26955G>A (NM_014010.5); c.2794+26955G>A (NM_001365069.1); c.2806+26955G>A (NM_001365068.1).
Identifiers: ClinVar variation 2708009 (VCV002708009.4), dbSNP rs2491064504, ClinGen allele CA466916395.